The following is an entry in ClinVar:

ClinVar aggregate classification (germline): Conflicting classifications of pathogenicity. Review status: criteria provided, conflicting classifications (1 of 4 stars). 3 submissions from 3 submitters: Uncertain significance (1); Likely benign (2). Last evaluated 2026-03-04.

Conditions:
Cohen syndrome (COH1). Also called: Cutis verticis gyrata, retinitis pigmentosa, and sensorineural deafness; PEPPER SYNDROME. Identifiers: Orphanet 193, MedGen C0265223, MONDO:0008999, OMIM 216550.
VPS13B-related disorder. Also called: VPS13B-related condition.

Allele frequency attached by ClinVar (database versions not stated): gnomAD exomes below 0.00001 and 0.00004; ExAC 0.00001; gnomAD 0.00001; TOPMed 0.00001; ESP Exome Variant Server 0.00008.
gnomAD v4.1: 59 of 1,607,430 alleles (0.0037%); highest among the groups gnomAD compares: Non-Finnish European, 0.005%; no homozygotes.

Submissions (3):

PreventionGenetics, part of Exact Sciences
Classification: Likely benign for VPS13B-related condition. Last evaluated: 2026-03-04. Review status: criteria provided, single submitter. Criteria: ACMG Guidelines, 2015. Collection method: clinical testing. Allele origin: germline.
Comment: This variant is classified as likely benign based on ACMG/AMP sequence variant interpretation guidelines (Richards et al. 2015 PMID: 25741868, with internal and published modifications).

Labcorp Genetics (formerly Invitae), Labcorp
Classification: Likely benign for Cohen syndrome. Last evaluated: 2024-11-05. Review status: criteria provided, single submitter. Criteria: Invitae Variant Classification Sherloc (09022015). Collection method: clinical testing. Allele origin: germline.

Blueprint Genetics
Classification: Uncertain significance. Last evaluated: 2019-05-07. Review status: criteria provided, single submitter. Criteria: ACMG Guidelines, 2015. Collection method: clinical testing. Allele origin: germline.

NM_152564.5(VPS13B):c.1887G>A (p.Val629=)

Gene: VPS13B (vacuolar protein sorting 13 homolog B; plus strand). Cytogenetic location: 8q22.2.
Variant type: single nucleotide variant.
Coding change: c.1887G>A on transcript NM_152564.5 (MANE Select); coding-DNA position 1887, G replaced by A.
Protein change: p.Val629=; no amino-acid change (valine 629 retained).
Molecular consequence: synonymous variant.
Genome position (GRCh38, 1-based): chr8:99,147,884, G>A. VCF-style: chr8-99147884-G-A. GRCh37 (hg19) VCF-style: chr8-100160112-G-A.
Other names: c.1887G>A, p.Val629= (NM_015243.3, NM_017890.5); c.1887G>A (NM_152564.4).
Identifiers: ClinVar variation 1102364 (VCV001102364.11), dbSNP rs138291421, ClinGen allele CA4822773.